The following is an entry in ClinVar:

NM_001851.6(COL9A1):c.2675C>T (p.Pro892Leu)

Gene: COL9A1 (collagen type IX alpha 1 chain; minus strand). Cytogenetic location: 6q13.
Variant type: single nucleotide variant.
Coding change: c.2675C>T on transcript NM_001851.6 (MANE Select); coding-DNA position 2675, C replaced by T.
Protein change: p.Pro892Leu; replaces proline 892 with leucine.
Molecular consequence: missense variant. On other transcripts: non-coding transcript variant (1).
Genome position (GRCh38, 1-based): chr6:70,216,988, G>A on the plus strand (C>T on the coding strand, the complement: COL9A1 is on the minus strand). VCF-style: chr6-70216988-G-A. GRCh37 (hg19) VCF-style: chr6-70926691-G-A.
Other names: c.1976C>T, p.Pro659Leu (NM_001377289.1); c.1799C>T, p.Pro600Leu (NM_001377290.1); c.1946C>T, p.Pro649Leu (NM_078485.4); short protein forms P892L, P649L, P600L, P659L.
Identifiers: ClinVar variation 593645 (VCV000593645.14), dbSNP rs760617713, ClinGen allele CA3881698.

ClinVar aggregate classification (germline): Uncertain significance. Review status: criteria provided, multiple submitters, no conflicts (2 of 4 stars). 3 submissions from 3 submitters: Uncertain significance (3). Last evaluated 2024-11-21.

Conditions:
Inborn genetic diseases. Identifiers: MedGen C0950123, MeSH D030342.

Allele frequency attached by ClinVar (database versions not stated): gnomAD exomes 0.00001 and 0.00003; gnomAD 0.00004 and 0.00005; TOPMed 0.00011; ExAC 0.00002.
gnomAD v4.1: 28 of 1,613,974 alleles (0.0017%); highest among the groups gnomAD compares: African/African-American, 0.019%; no homozygotes.

Submissions (3):

Labcorp Genetics (formerly Invitae), Labcorp
Classification: Uncertain significance. Last evaluated: 2024-11-21. Review status: criteria provided, single submitter. Criteria: Invitae Variant Classification Sherloc (09022015). Collection method: clinical testing. Allele origin: germline.
Comment: This sequence change replaces proline, which is neutral and non-polar, with leucine, which is neutral and non-polar, at codon 892 of the COL9A1 protein (p.Pro892Leu). This variant is present in population databases (rs760617713, gnomAD 0.02%). This variant has not been reported in the literature in individuals affected with COL9A1-related conditions. ClinVar contains an entry for this variant (Variation ID: 593645). Invitae Evidence Modeling of protein sequence and biophysical properties (such as structural, functional, and spatial information, amino acid conservation, physicochemical variation, residue mobility, and thermodynamic stability) indicates that this missense variant is not expected to disrupt COL9A1 protein function with a negative predictive value of 95%. In summary, the available evidence is currently insufficient to determine the role of this variant in disease. Therefore, it has been classified as a Variant of Uncertain Significance.

Ambry Genetics
Classification: Uncertain significance for Inborn genetic diseases. Last evaluated: 2024-05-13. Review status: criteria provided, single submitter. Criteria: Ambry Variant Classification Scheme 2023. Collection method: clinical testing. Allele origin: germline.

Eurofins Ntd Llc (ga)
Classification: Uncertain significance. Last evaluated: 2017-09-01. Review status: criteria provided, single submitter. Criteria: EGL Classification Definitions 2015. Collection method: clinical testing. Allele origin: germline. Observed: 1 variant allele, 1 heterozygote.